The following is an entry in ClinVar:

NM_001379500.1(COL18A1):c.3249+2T>C

Genes: COL18A1 (collagen type XVIII alpha 1 chain; plus strand), SLC19A1 (solute carrier family 19 member 1; minus strand). Cytogenetic location: 21q22.3.
Variant type: single nucleotide variant.
Coding change: c.3249+2T>C on transcript NM_001379500.1 (MANE Select); the canonical splice donor site of the intron after coding-DNA position 3249, T replaced by C.
Molecular consequence: splice donor variant.
Genome position (GRCh38, 1-based): chr21:45,507,595, T>C. VCF-style: chr21-45507595-T-C. GRCh37 (hg19) VCF-style: chr21-46927509-T-C.
Other names: NC_000021.8:g.46927509T>C; c.4494+2T>C (NM_130444.3); c.3789+2T>C (NM_030582.4).
Identifiers: ClinVar variation 4455290 (VCV004455290.2).

ClinVar aggregate classification (germline): Likely pathogenic (1 of 4 stars; one submission).

gnomAD v4.1: 1 of 1,612,904 alleles (0.000062%); highest among the groups gnomAD compares: Non-Finnish European, 0.000085%; no homozygotes.

Submissions (2):

Labcorp Genetics (formerly Invitae), Labcorp
Classification: Likely pathogenic. Last evaluated: 2025-07-29. Review status: criteria provided, single submitter. Criteria: Invitae Variant Classification Sherloc (09022015). Collection method: clinical testing. Allele origin: germline.
Comment: This sequence change affects a donor splice site in intron 38 of the COL18A1 gene. It is expected to disrupt RNA splicing. Variants that disrupt the donor or acceptor splice site typically lead to a loss of protein function (PMID: 16199547), and loss-of-function variants in COL18A1 are known to be pathogenic (PMID: 12415512, 25456301). This variant is not present in population databases (gnomAD no frequency). This variant has not been reported in the literature in individuals affected with COL18A1-related conditions. Algorithms developed to predict the effect of sequence changes on RNA splicing suggest that this variant may disrupt the consensus splice site. In summary, the currently available evidence indicates that the variant is pathogenic, but additional data are needed to prove that conclusively. Therefore, this variant has been classified as Likely Pathogenic.

Dr. Peter K. Rogan Lab, Western University
No classification provided (evidence only). Condition: Nonpapillary renal cell carcinoma. Review status: no classification provided. Collection method: in vitro. Allele origin: not applicable. Functional consequence: retained intron. Not counted in ClinVar's aggregate classification.

Literature cited by the submitters: PubMed 16199547 (cited by Labcorp Genetics (formerly Invitae), Labcorp); PubMed 12415512 (cited by Labcorp Genetics (formerly Invitae), Labcorp); PubMed 25456301 (cited by Labcorp Genetics (formerly Invitae), Labcorp).